The following is an entry in ClinVar:

ClinVar aggregate classification (germline): Likely pathogenic (1 of 4 stars; one submission).

Conditions:
Congenital microvillous atrophy (DIAR2). Also called: DAVIDSON DISEASE; Microvillus inclusion disease; Diarrhea 2 with microvillus atrophy, with or without cholestasis; CONGENITAL FAMILIAL PROTRACTED DIARRHEA WITH ENTEROCYTE BRUSH-BORDER ABNORMALITIES; MICROVILLUS ATROPHY, CONGENITAL. Identifiers: Orphanet 2290, MedGen C0341306, MONDO:0009635, OMIM 251850.

Allele frequency attached by ClinVar (database versions not stated): TOPMed 0.00003.

Submission:

Neuberg Centre For Genomic Medicine, NCGM
Classification: Likely pathogenic for Congenital microvillous atrophy. Review status: criteria provided, single submitter. Criteria: ACMG Guidelines, 2015. Collection method: clinical testing. Allele origin: germline. Affected: yes.
Comment: The splice acceptor variant c.311-1G>C in MYO5B (NM_001080467.3) has not been reported previously as a pathogenic variant nor as a benign variant, to our knowledge. The c.311-1G>C variant is novel (not in any individuals) in gnomAD Exomes and is novel (not in any individuals) in 1000 Genomes. This variant affects an invariant splice nucleotide and hence for these reasons, this variant has been classified as Likely Pathogenic.

NM_001080467.3(MYO5B):c.311-1G>C

Gene: MYO5B (myosin VB; minus strand). Cytogenetic location: 18q21.1.
Variant type: single nucleotide variant.
Coding change: c.311-1G>C on transcript NM_001080467.3 (MANE Select); the canonical splice acceptor site of the intron before coding-DNA position 311, G replaced by C.
Molecular consequence: splice acceptor variant.
Genome position (GRCh38, 1-based): chr18:50,036,995, C>G on the plus strand (G>C on the coding strand, the complement: MYO5B is on the minus strand). VCF-style: chr18-50036995-C-G. GRCh37 (hg19) VCF-style: chr18-47563365-C-G.
Identifiers: ClinVar variation 1339136 (VCV001339136.2), dbSNP rs1271807828, ClinGen allele CA402510164.